The following is an entry in ClinVar:

NM_000160.5(GCGR):c.783G>A (p.Arg261=)

Gene: GCGR (glucagon receptor; plus strand). Cytogenetic location: 17q25.3.
Variant type: single nucleotide variant.
Coding change: c.783G>A on transcript NM_000160.5 (MANE Select); coding-DNA position 783, G replaced by A.
Protein change: p.Arg261=; no amino-acid change (arginine 261 retained).
Molecular consequence: synonymous variant.
Genome position (GRCh38, 1-based): chr17:81,811,776, G>A. VCF-style: chr17-81811776-G-A. GRCh37 (hg19) VCF-style: chr17-79769652-G-A.
Other names: c.783G>A (NM_000160.4).
Identifiers: ClinVar variation 2067554 (VCV002067554.6), dbSNP rs373969028, ClinGen allele CA8842121.

ClinVar aggregate classification (germline): Benign. Review status: criteria provided, single submitter (1 of 4 stars). 2 submissions from 2 submitters: Benign (1). 1 of the submissions does not count toward it. Last evaluated 2025-05-13.

Conditions:
GCGR-related disorder. Also called: GCGR-related condition.

Allele frequency attached by ClinVar (database versions not stated): gnomAD exomes 0.00011; ExAC 0.00068; 1000 Genomes Project 0.00120; TOPMed 0.00134; gnomAD 0.00135; 1000 Genomes Project 30x 0.00187; ESP Exome Variant Server 0.00219.
gnomAD v4.1: 360 of 1,537,774 alleles (0.023%); highest among the groups gnomAD compares: African/African-American, 0.46%; 1 homozygote.

Submissions (2):

Labcorp Genetics (formerly Invitae), Labcorp
Classification: Benign. Last evaluated: 2025-05-13. Review status: criteria provided, single submitter. Criteria: Invitae Variant Classification Sherloc (09022015). Collection method: clinical testing. Allele origin: germline.

PreventionGenetics, part of Exact Sciences
Classification: Benign for GCGR-related condition. Last evaluated: 2019-12-23. Review status: no assertion criteria provided. Collection method: clinical testing. Allele origin: germline. Not counted in ClinVar's aggregate classification.
Comment: This variant is classified as benign based on ACMG/AMP sequence variant interpretation guidelines (Richards et al. 2015 PMID: 25741868, with internal and published modifications).